The following is an entry in ClinVar:

NM_001277115.2(DNAH11):c.12088G>T (p.Glu4030Ter)

Gene: DNAH11 (dynein axonemal heavy chain 11; plus strand). Cytogenetic location: 7p15.3.
Variant type: single nucleotide variant.
Coding change: c.12088G>T on transcript NM_001277115.2 (MANE Select); coding-DNA position 12088, G replaced by T.
Protein change: p.Glu4030Ter; replaces glutamic acid 4030 with a stop codon.
Molecular consequence: nonsense.
Genome position (GRCh38, 1-based): chr7:21,873,394, G>T. VCF-style: chr7-21873394-G-T. GRCh37 (hg19) VCF-style: chr7-21913012-G-T.
Other names: c.12109G>T, p.Glu4037Ter (NM_003777.3); short protein forms E4030*, E4037*.
Identifiers: ClinVar variation 2750504 (VCV002750504.3), dbSNP rs763657340, ClinGen allele CA366963195.

ClinVar aggregate classification (germline): Pathogenic (1 of 4 stars; one submission).

Conditions:
Primary ciliary dyskinesia. Also called: Ciliary dyskinesia. Identifiers: Orphanet 244, MedGen C0008780, MONDO:0016575, HP:0012265.

Submission:

Labcorp Genetics (formerly Invitae), Labcorp
Classification: Pathogenic for Primary ciliary dyskinesia. Last evaluated: 2023-09-19. Review status: criteria provided, single submitter. Criteria: Invitae Variant Classification Sherloc (09022015). Collection method: clinical testing. Allele origin: germline.
Comment: For these reasons, this variant has been classified as Pathogenic. Algorithms developed to predict the effect of sequence changes on RNA splicing suggest that this variant may disrupt the consensus splice site. This variant has not been reported in the literature in individuals affected with DNAH11-related conditions. This variant is not present in population databases (gnomAD no frequency). This sequence change creates a premature translational stop signal (p.Glu4030*) in the DNAH11 gene. It is expected to result in an absent or disrupted protein product. Loss-of-function variants in DNAH11 are known to be pathogenic (PMID: 18022865, 20513915, 22184204).

Literature cited by the submitters: PubMed 18022865; PubMed 20513915; PubMed 22184204.